The following is an entry in ClinVar:

ClinVar aggregate classification (germline): Benign. Review status: reviewed by expert panel (3 of 4 stars). 6 submissions from 5 submitters: Benign (1). 5 of the submissions do not count toward it. Last evaluated 2015-01-12.

Conditions:
Hereditary cancer-predisposing syndrome. Also called: Neoplastic Syndromes, Hereditary; Hereditary Cancer Syndrome; Tumor predisposition; Hereditary neoplastic syndrome. Identifiers: Orphanet 140162, MedGen C0027672, MeSH D009386, MONDO:0015356.
Fanconi anemia complementation group D1. Also called: BRCA2-Related Fanconi Anemia. Identifiers: Orphanet 319462, MedGen C1838457, MONDO:0011584, OMIM 605724.
Breast-ovarian cancer, familial, susceptibility to, 2 (BROVCA2). Also called: BRCA2 Hereditary Breast and Ovarian Cancer. Identifiers: Orphanet 145, MedGen C2675520, MONDO:0012933, OMIM 612555. Disease mechanism: loss of function.

Allele frequency attached by ClinVar (database versions not stated): gnomAD exomes 0.20121; 1000 Genomes Project 0.22204; 1000 Genomes Project 30x 0.22564; TOPMed 0.26732; gnomAD 0.26990 and 0.27664.
gnomAD v4.1: 57,069 of 231,366 alleles (25%); highest among the groups gnomAD compares: African/African-American, 31%; 7,970 homozygotes.

Submissions (6):

Evidence-based Network for the Interpretation of Germline Mutant Alleles (ENIGMA)
Classification: Benign for Breast-ovarian cancer, familial 2. Last evaluated: 2015-01-12. Review status: reviewed by expert panel. Criteria: ENIGMA BRCA1/2 Classification Criteria (2015). Collection method: curation. Allele origin: germline.
Comment: Class 1 not pathogenic based on frequency >1% in an outbred sampleset. Frequency 0.06294 (Asian), 0.3435 (African), 0.277 (European), derived from 1000 genomes (2012-04-30).

Illumina Laboratory Services, Illumina
Classification: Benign for Breast-ovarian cancer, familial, susceptibility to, 2. Last evaluated: 2018-01-12. Review status: criteria provided, single submitter. Criteria: ICSL Variant Classification Criteria 13 December 2019. Collection method: clinical testing. Allele origin: germline. Not counted in ClinVar's aggregate classification.
Comment: This variant was observed in the ICSL laboratory as part of a predisposition screen in an ostensibly healthy population. It had not been previously curated by ICSL or reported in the Human Gene Mutation Database (HGMD: prior to June 1st, 2018), and was therefore a candidate for classification through an automated scoring system. Utilizing variant allele frequency, disease prevalence and penetrance estimates, and inheritance mode, an automated score was calculated to assess if this variant is too frequent to cause the disease. Based on the score and internal cut-off values, a variant classified as benign is not then subjected to further curation. The score for this variant resulted in a classification of benign for this disease.

Illumina Laboratory Services, Illumina
Classification: Benign for Fanconi anemia complementation group D1. Last evaluated: 2018-01-12. Review status: criteria provided, single submitter. Criteria: ICSL Variant Classification Criteria 13 December 2019. Collection method: clinical testing. Allele origin: germline. Not counted in ClinVar's aggregate classification.
Comment: the same text as in the submission from Illumina Laboratory Services, Illumina above.

GeneKor MSA
Classification: Benign. Last evaluated: 2017-11-01. Review status: criteria provided, single submitter. Criteria: ACMG Guidelines, 2015. Collection method: clinical testing. Allele origin: germline. Affected: yes. Not counted in ClinVar's aggregate classification.

Ambry Genetics
Classification: Benign for Hereditary cancer-predisposing syndrome. Last evaluated: 2014-11-19. Review status: criteria provided, single submitter. Criteria: Ambry Variant Classification Scheme 2023. Collection method: clinical testing. Allele origin: germline. Not counted in ClinVar's aggregate classification.

Breakthrough Genomics
Classification: Benign. Review status: criteria provided, single submitter. Criteria: ACMG Guidelines, 2015. Collection method: not provided. Allele origin: germline. Inheritance: Autosomal recessive inheritance. Affected: yes. Not counted in ClinVar's aggregate classification.

NM_000059.4(BRCA2):c.*369A>G

Gene: BRCA2 (BRCA2 DNA repair associated; plus strand). Cytogenetic location: 13q13.1.
Variant type: single nucleotide variant.
Coding change: c.*369A>G on transcript NM_000059.4 (MANE Select); 369 bases downstream of the stop codon, A replaced by G.
Molecular consequence: 3 prime UTR variant.
Genome position (GRCh38, 1-based): chr13:32,399,139, A>G. VCF-style: chr13-32399139-A-G. GRCh37 (hg19) VCF-style: chr13-32973276-A-G.
Other names: 10854 A>G.
Identifiers: ClinVar variation 209924 (VCV000209924.8), dbSNP rs7334543, ClinGen allele CA276891.
Genomic context (GRCh38, chr13:32,399,139, plus strand): 5'-GTGCTTGAGGCCAGGAGTTCAAGACCAGCCTGGGCAACATAGGGAGACCCCCATCTTTAC[A>G]AAGAAAAAAAAAAGGGGAAAAGAAAATCTTTTAAATCTTTGGATTTGATCACTACAAGTA-3'